The following is an entry in ClinVar:

ClinVar aggregate classification (germline): Uncertain significance. Review status: criteria provided, multiple submitters, no conflicts (2 of 4 stars). 2 submissions from 2 submitters: Uncertain significance (2). Last evaluated 2023-02-10.

Conditions:
Microcephaly, normal intelligence and immunodeficiency (NBS). Also called: IMMUNODEFICIENCY, MICROCEPHALY, AND CHROMOSOMAL INSTABILITY; SEEMANOVA SYNDROME II; Ataxia telangiectasia variant V1; Immunodeficiency, microcephaly with normal intelligence; Nijmegen breakage syndrome; Microcephaly with normal intelligence immunodeficiency and lymphoreticular malignancies. Identifiers: Orphanet 647, MedGen C0398791, MONDO:0009623, OMIM 251260.
Hereditary cancer-predisposing syndrome. Also called: Hereditary Cancer Syndrome; Tumor predisposition; Neoplastic Syndromes, Hereditary; Hereditary neoplastic syndrome. Identifiers: Orphanet 140162, MedGen C0027672, MeSH D009386, MONDO:0015356.

gnomAD v4.1: 1 of 1,612,512 alleles (0.000062%); highest among the groups gnomAD compares: Non-Finnish European, 0.000085%; no homozygotes.

Submissions (2):

Ambry Genetics
Classification: Uncertain significance for Hereditary cancer-predisposing syndrome. Last evaluated: 2023-02-10. Review status: criteria provided, single submitter. Criteria: Ambry Variant Classification Scheme 2023. Collection method: clinical testing. Allele origin: germline.
Comment: The p.A734G variant (also known as c.2201C>G), located in coding exon 15 of the NBN gene, results from a C to G substitution at nucleotide position 2201. The alanine at codon 734 is replaced by glycine, an amino acid with similar properties. This amino acid position is conserved. In addition, this alteration is predicted to be tolerated by in silico analysis. Since supporting evidence is limited at this time, the clinical significance of this alteration remains unclear.

Labcorp Genetics (formerly Invitae), Labcorp
Classification: Uncertain significance for Microcephaly, normal intelligence and immunodeficiency. Last evaluated: 2022-08-10. Review status: criteria provided, single submitter. Criteria: Invitae Variant Classification Sherloc (09022015). Collection method: clinical testing. Allele origin: germline.
Comment: In summary, the available evidence is currently insufficient to determine the role of this variant in disease. Therefore, it has been classified as a Variant of Uncertain Significance. Algorithms developed to predict the effect of missense changes on protein structure and function are either unavailable or do not agree on the potential impact of this missense change (SIFT: "Tolerated"; PolyPhen-2: "Probably Damaging"; Align-GVGD: "Class C0"). This variant has not been reported in the literature in individuals affected with NBN-related conditions. This variant is not present in population databases (gnomAD no frequency). This sequence change replaces alanine, which is neutral and non-polar, with glycine, which is neutral and non-polar, at codon 734 of the NBN protein (p.Ala734Gly).

NM_002485.5(NBN):c.2201C>G (p.Ala734Gly)

Gene: NBN (nibrin; minus strand). Cytogenetic location: 8q21.3.
Variant type: single nucleotide variant.
Coding change: c.2201C>G on transcript NM_002485.5 (MANE Select); coding-DNA position 2201, C replaced by G.
Protein change: p.Ala734Gly; replaces alanine 734 with glycine.
Molecular consequence: missense variant.
Genome position (GRCh38, 1-based): chr8:89,937,059, G>C on the plus strand (C>G on the coding strand, the complement: NBN is on the minus strand). VCF-style: chr8-89937059-G-C. GRCh37 (hg19) VCF-style: chr8-90949287-G-C.
Other names: c.1955C>G, p.Ala652Gly (NM_001024688.3); short protein forms A734G, A652G.
Identifiers: ClinVar variation 2040980 (VCV002040980.6), dbSNP rs751824753, ClinGen allele CA371674805.